The following is an entry in ClinVar:

NM_032119.4(ADGRV1):c.2954C>G (p.Ala985Gly)

Gene: ADGRV1 (adhesion G protein-coupled receptor V1; plus strand). Cytogenetic location: 5q14.3.
Variant type: single nucleotide variant.
Coding change: c.2954C>G on transcript NM_032119.4 (MANE Select); coding-DNA position 2954, C replaced by G.
Protein change: p.Ala985Gly; replaces alanine 985 with glycine.
Molecular consequence: missense variant. On other transcripts: non-coding transcript variant (1).
Genome position (GRCh38, 1-based): chr5:90,646,023, C>G. VCF-style: chr5-90646023-C-G. GRCh37 (hg19) VCF-style: chr5-89941840-C-G.
Other names: short protein forms A985G.
Identifiers: ClinVar variation 1473090 (VCV001473090.8), dbSNP rs756759455, ClinGen allele CA3339067.

ClinVar aggregate classification (germline): Uncertain significance (1 of 4 stars; one submission).

Allele frequency attached by ClinVar (database versions not stated): gnomAD exomes below 0.00001; ExAC 0.00001.
gnomAD v4.1: 4 of 1,605,534 alleles (0.00025%); highest among the groups gnomAD compares: South Asian, 0.0022%; no homozygotes.

Submission:

Labcorp Genetics (formerly Invitae), Labcorp
Classification: Uncertain significance. Last evaluated: 2021-03-18. Review status: criteria provided, single submitter. Criteria: Invitae Variant Classification Sherloc (09022015). Collection method: clinical testing. Allele origin: germline.
Comment: This variant has not been reported in the literature in individuals with ADGRV1-related conditions. This variant is present in population databases (rs756759455, ExAC 0.01%). This sequence change replaces alanine with glycine at codon 985 of the ADGRV1 protein (p.Ala985Gly). The alanine residue is highly conserved and there is a small physicochemical difference between alanine and glycine. Algorithms developed to predict the effect of missense changes on protein structure and function are either unavailable or do not agree on the potential impact of this missense change (SIFT: "Deleterious"; PolyPhen-2: "Possibly Damaging"; Align-GVGD: "Class C0"). In summary, the available evidence is currently insufficient to determine the role of this variant in disease. Therefore, it has been classified as a Variant of Uncertain Significance. Algorithms developed to predict the effect of sequence changes on RNA splicing suggest that this variant may create or strengthen a splice site, but this prediction has not been confirmed by published transcriptional studies.